The following is an entry in ClinVar:

ClinVar aggregate classification (germline): Uncertain significance (1 of 4 stars; one submission).

gnomAD v4.1: 13 of 1,614,018 alleles (0.00081%); highest among the groups gnomAD compares: Admixed American, 0.0067%; no homozygotes.

Submission:

Labcorp Genetics (formerly Invitae), Labcorp
Classification: Uncertain significance. Last evaluated: 2025-03-31. Review status: criteria provided, single submitter. Criteria: Invitae Variant Classification Sherloc (09022015). Collection method: clinical testing. Allele origin: germline.
Comment: This sequence change replaces arginine, which is basic and polar, with histidine, which is basic and polar, at codon 359 of the KRT71 protein (p.Arg359His). This variant is present in population databases (no rsID available, gnomAD 0.01%). This variant has not been reported in the literature in individuals affected with KRT71-related conditions. Invitae Evidence Modeling of protein sequence and biophysical properties (such as structural, functional, and spatial information, amino acid conservation, physicochemical variation, residue mobility, and thermodynamic stability) indicates that this missense variant is not expected to disrupt KRT71 protein function with a negative predictive value of 80%. In summary, the available evidence is currently insufficient to determine the role of this variant in disease. Therefore, it has been classified as a Variant of Uncertain Significance.

NM_033448.3(KRT71):c.1076G>A (p.Arg359His)

Gene: KRT71 (keratin 71; minus strand). Cytogenetic location: 12q13.13.
Variant type: single nucleotide variant.
Coding change: c.1076G>A on transcript NM_033448.3 (MANE Select); coding-DNA position 1076, G replaced by A.
Protein change: p.Arg359His; replaces arginine 359 with histidine.
Molecular consequence: missense variant.
Genome position (GRCh38, 1-based): chr12:52,547,885, C>T on the plus strand (G>A on the coding strand, the complement: KRT71 is on the minus strand). VCF-style: chr12-52547885-C-T. GRCh37 (hg19) VCF-style: chr12-52941669-C-T.
Other names: short protein forms R359H.
Identifiers: ClinVar variation 3612940 (VCV003612940.2).